The following is an entry in ClinVar:

NM_032806.6(POMGNT2):c.24C>T (p.Asn8=)

Gene: POMGNT2 (protein O-linked mannose N-acetylglucosaminyltransferase 2 (beta 1,4-); minus strand). Cytogenetic location: 3p22.1.
Variant type: single nucleotide variant.
Coding change: c.24C>T on transcript NM_032806.6 (MANE Select); coding-DNA position 24, C replaced by T.
Protein change: p.Asn8=; no amino-acid change (asparagine 8 retained).
Molecular consequence: synonymous variant.
Genome position (GRCh38, 1-based): chr3:43,081,408, G>A on the plus strand (C>T on the coding strand, the complement: POMGNT2 is on the minus strand). VCF-style: chr3-43081408-G-A. GRCh37 (hg19) VCF-style: chr3-43122900-G-A.
Other names: p.Asn8=.
Identifiers: ClinVar variation 1112140 (VCV001112140.8), dbSNP rs780544642, ClinGen allele CA2340176.

ClinVar aggregate classification (germline): Likely benign. Review status: criteria provided, multiple submitters, no conflicts (2 of 4 stars). 2 submissions from 2 submitters: Likely benign (2). Last evaluated 2025-11-20.

Conditions:
Muscular dystrophy-dystroglycanopathy (congenital with brain and eye anomalies), type a, 8 (MDDGA8). Also called: WALKER-WARBURG SYNDROME OR MUSCLE-EYE-BRAIN DISEASE, GTDC2-RELATED. Identifiers: Orphanet 899, MedGen C3553813, MONDO:0013904, OMIM 614830.

Allele frequency attached by ClinVar (database versions not stated): gnomAD 0.00001; gnomAD exomes 0.00003; ExAC 0.00005; TOPMed 0.00006.
gnomAD v4.1: 42 of 1,588,030 alleles (0.0026%); highest among the groups gnomAD compares: African/African-American, 0.013%; no homozygotes.

Submissions (2):

Labcorp Genetics (formerly Invitae), Labcorp
Classification: Likely benign for Muscular dystrophy-dystroglycanopathy (congenital with brain and eye anomalies), type a, 8. Last evaluated: 2025-11-20. Review status: criteria provided, single submitter. Criteria: Invitae Variant Classification Sherloc (09022015). Collection method: clinical testing. Allele origin: germline.

Mayo Clinic Laboratories, Mayo Clinic
Classification: Likely benign. Last evaluated: 2024-11-15. Review status: criteria provided, single submitter. Criteria: ACMG Guidelines, 2015. Collection method: clinical testing. Allele origin: germline. Observed: 1 variant allele.
Comment: BP4, BP7